The following is an entry in ClinVar:

ClinVar aggregate classification (germline): Uncertain significance (1 of 4 stars; one submission).

Conditions:
Hereditary cancer-predisposing syndrome. Also called: Hereditary Cancer Syndrome; Hereditary neoplastic syndrome; Neoplastic Syndromes, Hereditary; Tumor predisposition. Identifiers: Orphanet 140162, MedGen C0027672, MeSH D009386, MONDO:0015356.

Submission:

Ambry Genetics
Classification: Uncertain significance for Hereditary cancer-predisposing syndrome. Last evaluated: 2025-08-25. Review status: criteria provided, single submitter. Criteria: Ambry Variant Classification Scheme 2023. Collection method: clinical testing. Allele origin: germline.
Comment: The p.K153I variant (also known as c.458A>T), located in coding exon 3 of the CHEK2 gene, results from an A to T substitution at nucleotide position 458. The lysine at codon 153 is replaced by isoleucine, an amino acid with dissimilar properties. This amino acid position is highly conserved in available vertebrate species. In addition, this alteration is predicted to be deleterious by in silico analysis. Since supporting evidence is limited at this time, the clinical significance of this alteration remains unclear.

NM_007194.4(CHEK2):c.458A>T (p.Lys153Ile)

Gene: CHEK2 (checkpoint kinase 2; minus strand). Cytogenetic location: 22q12.1.
Variant type: single nucleotide variant.
Coding change: c.458A>T on transcript NM_007194.4 (MANE Select); coding-DNA position 458, A replaced by T.
Protein change: p.Lys153Ile; replaces lysine 153 with isoleucine.
Molecular consequence: missense variant. On other transcripts: 5 prime UTR variant (2), intron variant (1).
Genome position (GRCh38, 1-based): chr22:28,725,111, T>A on the plus strand (A>T on the coding strand, the complement: CHEK2 is on the minus strand). VCF-style: chr22-28725111-T-A. GRCh37 (hg19) VCF-style: chr22-29121099-T-A.
Other names: c.587A>T, p.Lys196Ile (NM_001005735.3, NM_001438294.1); c.-320A>T (NM_001257387.3); c.-206A>T (NM_001437942.1); c.551A>T, p.Lys184Ile (NM_001438293.1, NM_001438295.1); c.458A>T, p.Lys153Ile (NM_145862.3); c.444+132A>T (NM_001349956.3); short protein forms K196I, K153I, K184I.
Identifiers: ClinVar variation 1741694 (VCV001741694.3), dbSNP rs730881682, ClinGen allele CA411107714.